The following is an entry in ClinVar:

NM_024334.2(TMEM43):c.-300T>C

Gene: TMEM43 (transmembrane protein 43; plus strand). Cytogenetic location: 3p25.1.
Variant type: single nucleotide variant.
Coding change: c.-300T>C on transcript NM_024334.2; 300 bases upstream of the start codon, T replaced by C.
Genome position (GRCh38, 1-based): chr3:14,124,894, T>C. VCF-style: chr3-14124894-T-C. GRCh37 (hg19) VCF-style: chr3-14166394-T-C.
Identifiers: ClinVar variation 679865 (VCV000679865.4), dbSNP rs2733578, ClinGen allele CA11527716.

ClinVar aggregate classification (germline): Benign. Review status: criteria provided, multiple submitters, no conflicts (2 of 4 stars). 2 submissions from 2 submitters: Benign (2). Last evaluated 2018-06-18.

Allele frequency attached by ClinVar (database versions not stated): gnomAD 0.20856 and 0.21414; gnomAD exomes 0.14024; TOPMed 0.23186; 1000 Genomes Project 0.24601; 1000 Genomes Project 30x 0.25047.

Submissions (2):

GeneDx
Classification: Benign. Last evaluated: 2018-06-18. Review status: criteria provided, single submitter. Criteria: GeneDx Variant Classification (06012015). Collection method: clinical testing. Allele origin: germline. Affected: yes.
Comment: This variant is considered likely benign or benign based on one or more of the following criteria: it is a conservative change, it occurs at a poorly conserved position in the protein, it is predicted to be benign by multiple in silico algorithms, and/or has population frequency not consistent with disease.

Breakthrough Genomics
Classification: Benign. Review status: criteria provided, single submitter. Criteria: ACMG Guidelines, 2015. Collection method: not provided. Allele origin: germline. Inheritance: Autosomal dominant inheritance. Affected: yes.